The following is an entry in ClinVar:

NM_018297.4(NGLY1):c.493-4T>G

Gene: NGLY1 (N-glycanase 1; minus strand). Cytogenetic location: 3p24.2.
Variant type: single nucleotide variant.
Coding change: c.493-4T>G on transcript NM_018297.4 (MANE Select); 4 bases into the intron before coding-DNA position 493, T replaced by G.
Molecular consequence: intron variant.
Genome position (GRCh38, 1-based): chr3:25,751,267, A>C on the plus strand (T>G on the coding strand, the complement: NGLY1 is on the minus strand). VCF-style: chr3-25751267-A-C. GRCh37 (hg19) VCF-style: chr3-25792758-A-C.
Other names: c.367-4T>G (NM_001145294.2); c.493-4T>G (NM_001145295.2, NM_001145293.2).
Identifiers: ClinVar variation 1042629 (VCV001042629.5), dbSNP rs1706735265, ClinGen allele CA1046088126.
Genomic context (GRCh38, chr3:25,751,267, plus strand): 5'-CAGCACATGCTGAATGTTGGACTGAAGAACTTCTAGAATGGCTGAGTCAGCAGCAACCTA[A>C]TAGGAAAAAAAAAAACTGAAATTAACTTTTCACCATATGCTACAAAAATAATATATAATA-3'

ClinVar aggregate classification (germline): Uncertain significance (1 of 4 stars; one submission).

Conditions:
Congenital disorder of deglycosylation (CDDG). Identifiers: MedGen C3808991, MONDO:0031376.

Allele frequency attached by ClinVar (database versions not stated): gnomAD exomes below 0.00001; TOPMed below 0.00001; gnomAD 0.00001.
gnomAD v4.1: 4 of 1,522,368 alleles (0.00026%); highest among the groups gnomAD compares: African/African-American, 0.0042%; no homozygotes.

Submission:

Labcorp Genetics (formerly Invitae), Labcorp
Classification: Uncertain significance for Congenital disorder of deglycosylation. Last evaluated: 2025-07-07. Review status: criteria provided, single submitter. Criteria: Invitae Variant Classification Sherloc (09022015). Collection method: clinical testing. Allele origin: germline.
Comment: This sequence change falls in intron 3 of the NGLY1 gene. It does not directly change the encoded amino acid sequence of the NGLY1 protein. This variant is not present in population databases (gnomAD no frequency). This variant has not been reported in the literature in individuals affected with NGLY1-related conditions. ClinVar contains an entry for this variant (Variation ID: 1042629). Algorithms developed to predict the effect of sequence changes on RNA splicing suggest that this variant may disrupt the consensus splice site. In summary, the available evidence is currently insufficient to determine the role of this variant in disease. Therefore, it has been classified as a Variant of Uncertain Significance.